The following is an entry in ClinVar:

NM_005273.4(GNB2):c.284T>C (p.Leu95Pro)

Gene: GNB2 (G protein subunit beta 2; plus strand). Cytogenetic location: 7q22.1.
Variant type: single nucleotide variant.
Coding change: c.284T>C on transcript NM_005273.4 (MANE Select); coding-DNA position 284, T replaced by C.
Protein change: p.Leu95Pro; replaces leucine 95 with proline.
Molecular consequence: missense variant.
Genome position (GRCh38, 1-based): chr7:100,677,514, T>C. VCF-style: chr7-100677514-T-C. GRCh37 (hg19) VCF-style: chr7-100275137-T-C.
Other names: c.284T>C (NM_005273.3); short protein forms L95P.
Identifiers: ClinVar variation 2429882 (VCV002429882.5), dbSNP rs2486197750, ClinGen allele CA368515131.

ClinVar aggregate classification (germline): Conflicting classifications of pathogenicity. Review status: criteria provided, conflicting classifications (1 of 4 stars). 3 submissions from 3 submitters: Likely pathogenic (2); Uncertain significance (1). Last evaluated 2025-08-13.

Conditions:
Inborn genetic diseases. Identifiers: MedGen C0950123, MeSH D030342.
Neurodevelopmental disorder with hypotonia and dysmorphic facies. Identifiers: MedGen C5561974, MONDO:0859185, OMIM 619503.

Submissions (3):

Ambry Genetics
Classification: Likely pathogenic for Inborn genetic diseases. Last evaluated: 2025-08-13. Review status: criteria provided, single submitter. Criteria: Ambry Variant Classification Scheme 2023. Collection method: clinical testing. Allele origin: germline.
Comment: The c.284T>C (p.L95P) alteration is located in exon 6 (coding exon 5) of the GNB2 gene. This alteration results from a T to C substitution at nucleotide position 284, causing the leucine (L) at amino acid position 95 to be replaced by a proline (P). This variant was not reported in population-based cohorts in the Genome Aggregation Database (gnomAD). This amino acid position is highly conserved in available vertebrate species. This missense alteration is located in a region that has a low rate of benign missense variation (Lek, 2016; Firth, 2009). This alteration is predicted to be deleterious by in silico analysis. Based on the available evidence, this alteration is classified as likely pathogenic.

Department of Genetics, Rouen University Hospital, Normandy Center for Genomic and Personalized Medicine
Classification: Likely pathogenic for Neurodevelopmental disorder with hypotonia and dysmorphic facies. Last evaluated: 2022-08-12. Review status: criteria provided, single submitter. Criteria: ACMG Guidelines, 2015. Collection method: clinical testing. Allele origin: de novo. Affected: yes.

Blueprint Genetics
Classification: Uncertain significance. Last evaluated: 2022-01-12. Review status: criteria provided, single submitter. Criteria: ACMG Guidelines, 2015. Collection method: clinical testing. Allele origin: germline.